The following is an entry in ClinVar:

ClinVar aggregate classification (germline): Likely pathogenic (1 of 4 stars; one submission).

Conditions:
Familial meningioma. Also called: Meningioma, familial, susceptibility to. Identifiers: Orphanet 263662, MedGen C3551915, MONDO:0011789, OMIM 607174.

Submission:

Labcorp Genetics (formerly Invitae), Labcorp
Classification: Likely pathogenic for Familial meningioma. Last evaluated: 2021-05-18. Review status: criteria provided, single submitter. Criteria: Invitae Variant Classification Sherloc (09022015). Collection method: clinical testing. Allele origin: germline.
Comment: This sequence change affects a donor splice site in intron 6 of the SMARCE1 gene. It is expected to disrupt RNA splicing. Variants that disrupt the donor or acceptor splice site typically lead to a loss of protein function (PMID: 16199547), and loss-of-function variants in SMARCE1 are known to be pathogenic (PMID: 23377182). In summary, the currently available evidence indicates that the variant is pathogenic, but additional data are needed to prove that conclusively. Therefore, this variant has been classified as Likely Pathogenic. Algorithms developed to predict the effect of sequence changes on RNA splicing suggest that this variant may disrupt the consensus splice site, but this prediction has not been confirmed by published transcriptional studies. This variant has not been reported in the literature in individuals with SMARCE1-related conditions. This variant is not present in population databases (ExAC no frequency).

Literature cited by the submitters: PubMed 16199547; PubMed 23377182.

NM_003079.5(SMARCE1):c.369+1G>A

Gene: SMARCE1 (SWI/SNF related BAF chromatin remodeling complex subunit E1; minus strand). Cytogenetic location: 17q21.2.
Variant type: single nucleotide variant.
Coding change: c.369+1G>A on transcript NM_003079.5 (MANE Select); the canonical splice donor site of the intron after coding-DNA position 369, G replaced by A.
Molecular consequence: splice donor variant.
Genome position (GRCh38, 1-based): chr17:40,636,394, C>T on the plus strand (G>A on the coding strand, the complement: SMARCE1 is on the minus strand). VCF-style: chr17-40636394-C-T. GRCh37 (hg19) VCF-style: chr17-38792646-C-T.
Identifiers: ClinVar variation 1521437 (VCV001521437.8), dbSNP rs2037146593, ClinGen allele CA399366874.